The following is an entry in ClinVar:

ClinVar aggregate classification (germline): Uncertain significance (1 of 4 stars; one submission).

Submission:

Labcorp Genetics (formerly Invitae), Labcorp
Classification: Uncertain significance. Last evaluated: 2024-06-26. Review status: criteria provided, single submitter. Criteria: Invitae Variant Classification Sherloc (09022015). Collection method: clinical testing. Allele origin: germline.
Comment: This variant, c.247_249del, results in the deletion of 1 amino acid(s) of the PPP2R5D protein (p.Lys83del), but otherwise preserves the integrity of the reading frame. This variant is present in population databases (no rsID available, gnomAD 0.003%). This variant has not been reported in the literature in individuals affected with PPP2R5D-related conditions. Experimental studies and prediction algorithms are not available or were not evaluated, and the functional significance of this variant is currently unknown. In summary, the available evidence is currently insufficient to determine the role of this variant in disease. Therefore, it has been classified as a Variant of Uncertain Significance.

NM_006245.4(PPP2R5D):c.244AAG[1] (p.Lys83del)

Gene: PPP2R5D (protein phosphatase 2 regulatory subunit B'delta; plus strand). Cytogenetic location: 6p21.1.
Variant type: Microsatellite.
Coding change: c.244AAG[1] on transcript NM_006245.4 (MANE Select); one copy of the 3-base unit AAG starting at c.244; the reference has two copies in a row; one copy, 3 bases deleted.
Protein change: p.Lys83del; deletes lysine 83.
Molecular consequence: inframe deletion. On other transcripts: 5 prime UTR variant (1), intron variant (1).
Genome position (GRCh38, 1-based): chr6:43,006,604-43,006,606, AAG deleted; deleting any 3 consecutive bases within chr6:43,006,601-43,006,606 gives the same sequence; the position shown is the placement nearest the transcript's 3' end. VCF-style (leftmost placement, unchanged base first): chr6-43006600-CAAG-C. GRCh37 (hg19) VCF-style: chr6-42974338-CAAG-C.
Other names: c.-210AAG[1] (NM_001270476.2); c.244AAG[1], p.Lys83del (NM_180976.3); c.28-330_28-328del (NM_180977.3); short protein forms K83del.
Identifiers: ClinVar variation 1487235 (VCV001487235.6), dbSNP rs1249640321, ClinGen allele CA567149946.